The following is an entry in ClinVar:

NM_022455.5(NSD1):c.3921+5G>C

Gene: NSD1 (nuclear receptor binding SET domain protein 1; plus strand). Cytogenetic location: 5q35.3.
Variant type: single nucleotide variant.
Coding change: c.3921+5G>C on transcript NM_022455.5 (MANE Select); 5 bases into the intron after coding-DNA position 3921, G replaced by C.
Molecular consequence: intron variant.
Genome position (GRCh38, 1-based): chr5:177,235,950, G>C. VCF-style: chr5-177235950-G-C. GRCh37 (hg19) VCF-style: chr5-176662951-G-C.
Other names: c.3921+5G>C (NM_001409301.1, NM_001409302.1, NM_001409303.1); c.3501+5G>C (NM_001409304.1); c.3168+5G>C (NM_001409305.1); c.3048+5G>C (NM_001409306.1, NM_001409308.1, NM_001409307.1 and 3 more transcripts).
Identifiers: ClinVar variation 4292276 (VCV004292276.1).

ClinVar aggregate classification (germline): Uncertain significance (1 of 4 stars; one submission).

Conditions:
Sotos syndrome (SOTOS). Also called: CEREBRAL GIGANTISM; Sotos' syndrome; Distinctive facial appearance, overgrowth in childhood, and learning disabilities or delayed development; SOTOS SYNDROME 1; CHROMOSOME 5q35 DELETION SYNDROME. Identifiers: Orphanet 821, MedGen C0175695, MONDO:0019349, OMIM 117550.

Submission:

3billion
Classification: Uncertain significance for Sotos syndrome. Last evaluated: 2025-02-04. Review status: criteria provided, single submitter. Criteria: ACMG Guidelines, 2015. Collection method: clinical testing. Allele origin: germline. Affected: yes.
Comment: The variant is not observed in the gnomAD v4.1.0 dataset. Predicted Consequence/Location: Intron variant In silico tools predict the variant to alter splicing and produce an abnormal transcript [SpliceAI: 0.74 (>=0.2, moderate evidence for spliceogenicity)]. Therefore, this variant is classified as VUS according to the recommendation of ACMG/AMP guideline.